The following is an entry in ClinVar:

NM_002470.4(MYH3):c.5788T>A (p.Ser1930Thr)

Gene: MYH3 (myosin heavy chain 3; minus strand). Cytogenetic location: 17p13.1.
Variant type: single nucleotide variant.
Coding change: c.5788T>A on transcript NM_002470.4 (MANE Select); coding-DNA position 5788, T replaced by A.
Protein change: p.Ser1930Thr; replaces serine 1930 with threonine.
Molecular consequence: missense variant.
Genome position (GRCh38, 1-based): chr17:10,629,605, A>T on the plus strand (T>A on the coding strand, the complement: MYH3 is on the minus strand). VCF-style: chr17-10629605-A-T. GRCh37 (hg19) VCF-style: chr17-10532922-A-T.
Other names: short protein forms S1930T.
Identifiers: ClinVar variation 3007996 (VCV003007996.3), dbSNP rs781043150, ClinGen allele CA8391812.

ClinVar aggregate classification (germline): Uncertain significance (1 of 4 stars; one submission).

Allele frequency attached by ClinVar (database versions not stated): gnomAD exomes 0.00001; TOPMed 0.00001; ExAC 0.00001.
gnomAD v4.1: 12 of 1,613,248 alleles (0.00074%); highest among the groups gnomAD compares: Non-Finnish European, 0.001%; no homozygotes.

Submission:

Labcorp Genetics (formerly Invitae), Labcorp
Classification: Uncertain significance. Last evaluated: 2025-07-20. Review status: criteria provided, single submitter. Criteria: Invitae Variant Classification Sherloc (09022015). Collection method: clinical testing. Allele origin: germline.
Comment: This sequence change replaces serine, which is neutral and polar, with threonine, which is neutral and polar, at codon 1930 of the MYH3 protein (p.Ser1930Thr). This variant is present in population databases (rs781043150, gnomAD 0.003%). This variant has not been reported in the literature in individuals affected with MYH3-related conditions. ClinVar contains an entry for this variant (Variation ID: 3007996). Invitae Evidence Modeling of protein sequence and biophysical properties (such as structural, functional, and spatial information, amino acid conservation, physicochemical variation, residue mobility, and thermodynamic stability) indicates that this missense variant is not expected to disrupt MYH3 protein function with a negative predictive value of 95%. In summary, the available evidence is currently insufficient to determine the role of this variant in disease. Therefore, it has been classified as a Variant of Uncertain Significance.